The following is an entry in ClinVar:

ClinVar aggregate classification (germline): Uncertain significance (1 of 4 stars; one submission).

Allele frequency attached by ClinVar (database versions not stated): gnomAD exomes below 0.00001 and 0.00001.

Submission:

Labcorp Genetics (formerly Invitae), Labcorp
Classification: Uncertain significance. Last evaluated: 2021-08-28. Review status: criteria provided, single submitter. Criteria: Invitae Variant Classification Sherloc (09022015). Collection method: clinical testing. Allele origin: germline.
Comment: In summary, the available evidence is currently insufficient to determine the role of this variant in disease. Therefore, it has been classified as a Variant of Uncertain Significance. Algorithms developed to predict the effect of missense changes on protein structure and function output the following: SIFT: "Not Available"; PolyPhen-2: "Benign"; Align-GVGD: "Not Available". The valine amino acid residue is found in multiple mammalian species, which suggests that this missense change does not adversely affect protein function. This variant has not been reported in the literature in individuals affected with ADSSL1-related conditions. This variant is not present in population databases (ExAC no frequency). This sequence change replaces isoleucine with valine at codon 255 of the ADSSL1 protein (p.Ile255Val). There is a small physicochemical difference between isoleucine and valine.

NM_152328.5(ADSS1):c.634A>G (p.Ile212Val)

Gene: ADSS1 (adenylosuccinate synthase 1; plus strand). Cytogenetic location: 14q32.33.
Variant type: single nucleotide variant.
Coding change: c.634A>G on transcript NM_152328.5 (MANE Select); coding-DNA position 634, A replaced by G.
Protein change: p.Ile212Val; replaces isoleucine 212 with valine.
Molecular consequence: missense variant.
Genome position (GRCh38, 1-based): chr14:104,740,888, A>G. VCF-style: chr14-104740888-A-G. GRCh37 (hg19) VCF-style: chr14-105207225-A-G.
Other names: c.19A>G, p.Ile7Val (NM_001320424.1); c.763A>G, p.Ile255Val (NM_199165.2); short protein forms I212V, I255V, I7V.
Identifiers: ClinVar variation 1681950 (VCV001681950.6), dbSNP rs1020263753, ClinGen allele CA267336710.